The following is an entry in ClinVar:

NM_198576.4(AGRN):c.5965G>T (p.Gly1989Ter)

Gene: AGRN (agrin; plus strand). Cytogenetic location: 1p36.33.
Variant type: single nucleotide variant.
Coding change: c.5965G>T on transcript NM_198576.4 (MANE Select); coding-DNA position 5965, G replaced by T.
Protein change: p.Gly1989Ter; replaces glycine 1989 with a stop codon.
Molecular consequence: nonsense.
Genome position (GRCh38, 1-based): chr1:1,054,536, G>T. VCF-style: chr1-1054536-G-T. GRCh37 (hg19) VCF-style: chr1-989916-G-T.
Other names: c.6034G>T, p.Gly2012Ter (NM_001305275.2); c.5662G>T, p.Gly1888Ter (NM_001364727.2); short protein forms G1888*, G1989*, G2012*.
Identifiers: ClinVar variation 2088599 (VCV002088599.4), dbSNP rs962939339, ClinGen allele CA337785826.

ClinVar aggregate classification (germline): Uncertain significance (1 of 4 stars; one submission).

Conditions:
Congenital myasthenic syndrome 8. Also called: MYASTHENIC SYNDROME, CONGENITAL, DUE TO AGRIN DEFICIENCY; Myasthenic syndrome, congenital, 8, with pre- and postsynaptic defects. Identifiers: Orphanet 590, MedGen C3808739, MONDO:0014052, OMIM 615120.

Submission:

Labcorp Genetics (formerly Invitae), Labcorp
Classification: Uncertain significance for Congenital myasthenic syndrome 8. Last evaluated: 2022-02-03. Review status: criteria provided, single submitter. Criteria: Invitae Variant Classification Sherloc (09022015). Collection method: clinical testing. Allele origin: germline.
Comment: In summary, the available evidence is currently insufficient to determine the role of this variant in disease. Therefore, it has been classified as a Variant of Uncertain Significance. This variant has not been reported in the literature in individuals affected with AGRN-related conditions. This variant is not present in population databases (gnomAD no frequency). This sequence change creates a premature translational stop signal (p.Gly1989*) in the AGRN gene. While this is not anticipated to result in nonsense mediated decay, it is expected to disrupt the last 57 amino acid(s) of the AGRN protein.